The following is an entry in ClinVar:

NM_000264.5(PTCH1):c.1005G>T (p.Met335Ile)

Gene: PTCH1 (patched 1; minus strand). Cytogenetic location: 9q22.32.
Variant type: single nucleotide variant.
Coding change: c.1005G>T on transcript NM_000264.5 (MANE Select); coding-DNA position 1005, G replaced by T.
Protein change: p.Met335Ile; replaces methionine 335 with isoleucine.
Molecular consequence: missense variant. On other transcripts: non-coding transcript variant (1).
Genome position (GRCh38, 1-based): chr9:95,480,031, C>A on the plus strand (G>T on the coding strand, the complement: PTCH1 is on the minus strand). VCF-style: chr9-95480031-C-A. GRCh37 (hg19) VCF-style: chr9-98242313-C-A.
Other names: c.807G>T, p.Met269Ile (NM_001083602.3); c.1002G>T, p.Met334Ile (NM_001083603.3); c.552G>T, p.Met184Ile (NM_001083604.3, NM_001083605.3, NM_001083606.3 and 1 more transcripts); c.1005G>T, p.Met335Ile (NM_001354918.2); short protein forms M184I, M269I, M334I, M335I.
Identifiers: ClinVar variation 1782450 (VCV001782450.5), dbSNP rs757437208, ClinGen allele CA196595857.

ClinVar aggregate classification (germline): Uncertain significance. Review status: criteria provided, multiple submitters, no conflicts (2 of 4 stars). 2 submissions from 2 submitters: Uncertain significance (2). Last evaluated 2023-05-23.

Conditions:
Hereditary cancer-predisposing syndrome. Also called: Tumor predisposition; Neoplastic Syndromes, Hereditary; Hereditary Cancer Syndrome; Hereditary neoplastic syndrome. Identifiers: Orphanet 140162, MedGen C0027672, MeSH D009386, MONDO:0015356.
Gorlin syndrome. Also called: Nevoid Basal Cell Carcinoma Syndrome; Basal cell nevus syndrome. Identifiers: Orphanet 377, MedGen C0004779, MONDO:0007187.

gnomAD v4.1: 7 of 1,614,016 alleles (0.00043%); highest among the groups gnomAD compares: Non-Finnish European, 0.00059%; no homozygotes.

Submissions (2):

Labcorp Genetics (formerly Invitae), Labcorp
Classification: Uncertain significance for Gorlin syndrome. Last evaluated: 2023-05-23. Review status: criteria provided, single submitter. Criteria: Invitae Variant Classification Sherloc (09022015). Collection method: clinical testing. Allele origin: germline.
Comment: This variant has not been reported in the literature in individuals affected with PTCH1-related conditions. ClinVar contains an entry for this variant (Variation ID: 1782450). Advanced modeling of protein sequence and biophysical properties (such as structural, functional, and spatial information, amino acid conservation, physicochemical variation, residue mobility, and thermodynamic stability) has been performed at Invitae for this missense variant, however the output from this modeling did not meet the statistical confidence thresholds required to predict the impact of this variant on PTCH1 protein function. In summary, the available evidence is currently insufficient to determine the role of this variant in disease. Therefore, it has been classified as a Variant of Uncertain Significance. This variant is not present in population databases (gnomAD no frequency). This sequence change replaces methionine, which is neutral and non-polar, with isoleucine, which is neutral and non-polar, at codon 335 of the PTCH1 protein (p.Met335Ile).

Ambry Genetics
Classification: Uncertain significance for Hereditary cancer-predisposing syndrome. Last evaluated: 2020-05-08. Review status: criteria provided, single submitter. Criteria: Ambry Variant Classification Scheme 2023. Collection method: clinical testing. Allele origin: germline.
Comment: The p.M335I variant (also known as c.1005G>T), located in coding exon 7 of the PTCH1 gene, results from a G to T substitution at nucleotide position 1005. The methionine at codon 335 is replaced by isoleucine, an amino acid with highly similar properties. This amino acid position is highly conserved in available vertebrate species. In addition, this alteration is predicted to be deleterious by in silico analysis. Since supporting evidence is limited at this time, the clinical significance of this alteration remains unclear.